The following is an entry in ClinVar:

ClinVar aggregate classification (germline): Uncertain significance (1 of 4 stars; one submission).

Conditions:
Cardiovascular phenotype. Identifiers: MedGen CN230736.

Submission:

Ambry Genetics
Classification: Uncertain significance for Cardiovascular phenotype. Last evaluated: 2026-05-14. Review status: criteria provided, single submitter. Criteria: Ambry Variant Classification Scheme 2023. Collection method: clinical testing. Allele origin: germline.
Comment: The p.R994P variant (also known as c.2981G>C), located in coding exon 41 of the COL1A1 gene, results from a G to C substitution at nucleotide position 2981. The arginine at codon 994 is replaced by proline, an amino acid with dissimilar properties. This amino acid position is conserved. In addition, this alteration is predicted to be deleterious by in silico analysis. Based on the available evidence, the clinical significance of this variant remains unclear.

NM_000088.4(COL1A1):c.2981G>C (p.Arg994Pro)

Gene: COL1A1 (collagen type I alpha 1 chain; minus strand). Cytogenetic location: 17q21.33.
Variant type: single nucleotide variant.
Coding change: c.2981G>C on transcript NM_000088.4 (MANE Select); coding-DNA position 2981, G replaced by C.
Protein change: p.Arg994Pro; replaces arginine 994 with proline.
Molecular consequence: missense variant.
Genome position (GRCh38, 1-based): chr17:50,188,967, C>G on the plus strand (G>C on the coding strand, the complement: COL1A1 is on the minus strand). VCF-style: chr17-50188967-C-G. GRCh37 (hg19) VCF-style: chr17-48266328-C-G.
Other names: short protein forms R994P.
Identifiers: ClinVar variation 4869114 (VCV004869114.1).
Genomic context (GRCh38, chr17:50,188,967, plus strand): 5'-CGTCCAGATTCACCAGGGGGTCCAGCCAATCCAGGGGGGCCCATGGGACCAGGGGGACCA[C>G]GTTCACCACTTGCTCCAGAGGGACCTTGTTTGCCAGGTTCACCCTAAGGGAGAAGAAAGA-3'
Protein context (NP_000079.2, residues 984-1004): KQGPSGASGE[Arg994Pro]GPPGPMGPPG